The following is an entry in ClinVar:

ClinVar aggregate classification (germline): Uncertain significance (1 of 4 stars; one submission).

Conditions:
Glycine encephalopathy. Also called: Nonketotic hyperglycinemia; Non-ketotic hyperglycinemia. Identifiers: Orphanet 407, MedGen C0751748, MONDO:0011612, HP:0008288.

Submission:

Labcorp Genetics (formerly Invitae), Labcorp
Classification: Uncertain significance for Non-ketotic hyperglycinemia. Last evaluated: 2019-09-04. Review status: criteria provided, single submitter. Criteria: Invitae Variant Classification Sherloc (09022015). Collection method: clinical testing. Allele origin: germline.
Comment: This variant results in a copy number gain of the genomic region encompassing exons 22-25 of the GLDC gene. The 5' boundary is likely confined to intron 21. The 3' end of this event is unknown as it extends beyond the assayed region for this gene and therefore may encompass additional genes. As the precise location of this event is unknown, it may be in tandem or it may be located elsewhere in the genome. This variant has not been reported in the literature in individuals with GLDC-related conditions. In summary, the available evidence is currently insufficient to determine the role of this variant in disease. Therefore, it has been classified as a Variant of Uncertain Significance.

NC_000009.12:g.(?_6532997)_(6540166_?)dup

Gene: GLDC (glycine decarboxylase; minus strand). Cytogenetic location: 9p24.1.
Variant type: Duplication.
Identifiers: ClinVar variation 831538 (VCV000831538.1).